The following is an entry in ClinVar:

NM_000388.4(CASR):c.1925T>C (p.Ile642Thr)

Gene: CASR (calcium sensing receptor; plus strand). Cytogenetic location: 3q21.1.
Variant type: single nucleotide variant.
Coding change: c.1925T>C on transcript NM_000388.4 (MANE Select); coding-DNA position 1925, T replaced by C.
Protein change: p.Ile642Thr; replaces isoleucine 642 with threonine.
Molecular consequence: missense variant.
Genome position (GRCh38, 1-based): chr3:122,283,879, T>C. VCF-style: chr3-122283879-T-C. GRCh37 (hg19) VCF-style: chr3-122002726-T-C.
Other names: c.1955T>C, p.Ile652Thr (NM_001178065.2); short protein forms I642T, I652T.
Identifiers: ClinVar variation 1466185 (VCV001466185.8), dbSNP rs2107649633, ClinGen allele CA354158010.
Genomic context (GRCh38, chr3:122,283,879, plus strand): 5'-TGGGCATTTTCCTGACAGCCTTTGTGCTGGGTGTGTTTATCAAGTTCCGCAACACACCCA[T>C]TGTCAAGGCCACCAACCGAGAGCTCTCCTACCTCCTCCTCTTCTCCCTGCTCTGCTGCTT-3'
Protein context (NP_000379.3, residues 632-652): GVFIKFRNTP[Ile642Thr]VKATNRELSY

ClinVar aggregate classification (germline): Uncertain significance (1 of 4 stars; one submission).

Conditions:
Familial hypocalciuric hypercalcemia (FHH). Also called: Familial benign hypercalcemia. Identifiers: Orphanet 405, MedGen C1809471, MONDO:0018458.
Autosomal dominant hypocalcemia 1 (HYPOC1). Also called: HYPOCALCEMIA, FAMILIAL. Identifiers: MedGen C3715128, MONDO:0011013, OMIM 601198.

Submission:

Labcorp Genetics (formerly Invitae), Labcorp
Classification: Uncertain significance for Familial hypocalciuric hypercalcemia; Autosomal dominant hypocalcemia 1. Last evaluated: 2021-02-13. Review status: criteria provided, single submitter. Criteria: Invitae Variant Classification Sherloc (09022015). Collection method: clinical testing. Allele origin: germline.
Comment: Algorithms developed to predict the effect of missense changes on protein structure and function (SIFT, PolyPhen-2, Align-GVGD) all suggest that this variant is likely to be disruptive, but these predictions have not been confirmed by published functional studies and their clinical significance is uncertain. In summary, the available evidence is currently insufficient to determine the role of this variant in disease. Therefore, it has been classified as a Variant of Uncertain Significance. This variant has not been reported in the literature in individuals with CASR-related conditions. This sequence change replaces isoleucine with threonine at codon 642 of the CASR protein (p.Ile642Thr). The isoleucine residue is highly conserved and there is a moderate physicochemical difference between isoleucine and threonine. This variant is not present in population databases (ExAC no frequency).